The following is an entry in ClinVar:

ClinVar aggregate classification (germline): Uncertain significance (1 of 4 stars; one submission).

gnomAD v4.1: 2 of 1,613,796 alleles (0.00012%); highest among the groups gnomAD compares: Non-Finnish European, 0.00017%; no homozygotes.

Submission:

Labcorp Genetics (formerly Invitae), Labcorp
Classification: Uncertain significance. Last evaluated: 2025-12-03. Review status: criteria provided, single submitter. Criteria: Invitae Variant Classification Sherloc (09022015). Collection method: clinical testing. Allele origin: germline.
Comment: This sequence change replaces lysine, which is basic and polar, with arginine, which is basic and polar, at codon 375 of the ABL1 protein (p.Lys375Arg). This variant is present in population databases (rs371489484, gnomAD 0.0009%). This variant has not been reported in the literature in individuals affected with ABL1-related conditions. Invitae Evidence Modeling of protein sequence and biophysical properties (such as structural, functional, and spatial information, amino acid conservation, physicochemical variation, residue mobility, and thermodynamic stability) indicates that this missense variant is not expected to disrupt ABL1 protein function with a negative predictive value of 80%. In summary, the available evidence is currently insufficient to determine the role of this variant in disease. Therefore, it has been classified as a Variant of Uncertain Significance.

NM_005157.6(ABL1):c.1067A>G (p.Lys356Arg)

Gene: ABL1 (ABL proto-oncogene 1, non-receptor tyrosine kinase; plus strand). Cytogenetic location: 9q34.12.
Variant type: single nucleotide variant.
Coding change: c.1067A>G on transcript NM_005157.6 (MANE Select); coding-DNA position 1067, A replaced by G.
Protein change: p.Lys356Arg; replaces lysine 356 with arginine.
Molecular consequence: missense variant.
Genome position (GRCh38, 1-based): chr9:130,873,019, A>G. VCF-style: chr9-130873019-A-G. GRCh37 (hg19) VCF-style: chr9-133748406-A-G.
Other names: c.1124A>G, p.Lys375Arg (NM_007313.3); short protein forms K375R, K356R.
Identifiers: ClinVar variation 4743226 (VCV004743226.1).